The following is an entry in ClinVar:

ClinVar aggregate classification (germline): Likely benign (0 of 4 stars; one submission).

Conditions:
EBF3-related disorder. Identifiers: MedGen CN239924.

Allele frequency attached by ClinVar (database versions not stated): gnomAD 0.00001; gnomAD exomes 0.00001; TOPMed 0.00002.
gnomAD v4.1: 14 of 1,585,764 alleles (0.00088%); highest among the groups gnomAD compares: Non-Finnish European, 0.0012%; no homozygotes.

Submission:

PreventionGenetics, part of Exact Sciences
Classification: Likely benign for EBF3-related condition. Last evaluated: 2020-12-29. Review status: no assertion criteria provided. Collection method: clinical testing. Allele origin: germline.
Comment: This variant is classified as likely benign based on ACMG/AMP sequence variant interpretation guidelines (Richards et al. 2015 PMID: 25741868, with internal and published modifications).

NM_001375380.1(EBF3):c.1200C>A (p.Ile400=)

Gene: EBF3 (EBF transcription factor 3; minus strand). Cytogenetic location: 10q26.3.
Variant type: single nucleotide variant.
Coding change: c.1200C>A on transcript NM_001375380.1 (MANE Select); coding-DNA position 1200, C replaced by A.
Protein change: p.Ile400=; no amino-acid change (isoleucine 400 retained).
Molecular consequence: synonymous variant.
Genome position (GRCh38, 1-based): chr10:129,842,288, G>T on the plus strand (C>A on the coding strand, the complement: EBF3 is on the minus strand). VCF-style: chr10-129842288-G-T. GRCh37 (hg19) VCF-style: chr10-131640552-G-T.
Other names: c.1173C>A, p.Ile391= (NM_001005463.3, NM_001375390.1, NM_001375392.1); c.1200C>A, p.Ile400= (NM_001375379.1, NM_001375389.1, NM_001375391.1).
Identifiers: ClinVar variation 3030072 (VCV003030072.2), dbSNP rs969027167, ClinGen allele CA215531483.
Genomic context (GRCh38, chr10:129,842,288, plus strand): 5'-GTTGTGATTGCGGGGAACGCTGTACAGCGCCTCGGCGATGTCCGCCGCTCGCTTCAAGAT[G>T]ATCTCCTGCAGCAGGAGCAAGTGGGAGCCGGCCTGTCACCCCAGGCCCGGCCCAGCTGGC-3'
Protein context (NP_001362309.1, residues 390-410): LYGMPHNNQE[Ile400=]ILKRAADIAE